The following is an entry in ClinVar:

ClinVar aggregate classification (germline): Likely pathogenic. Review status: criteria provided, multiple submitters, no conflicts (2 of 4 stars). 2 submissions from 2 submitters: Likely pathogenic (2). Last evaluated 2024-09-13.

Conditions:
Marfan syndrome (MFS). Also called: MARFAN SYNDROME, TYPE I; Marfan syndrome type 1; Marfan's syndrome; FBN1-Related Marfan Syndrome; Marfan syndrome, classic. Identifiers: Orphanet 284963, Orphanet 558, MedGen C0024796, MONDO:0007947, OMIM 154700.
Familial thoracic aortic aneurysm and aortic dissection (TAAD). Also called: Thoracic aortic aneurysms and dissections. Identifiers: Orphanet 91387, MedGen C4707243, MONDO:0019625.

Submissions (3):

All of Us Research Program, National Institutes of Health
Classification: Likely pathogenic for Marfan syndrome. Last evaluated: 2024-09-13. Review status: criteria provided, single submitter. Criteria: ACMG Guidelines, 2015. Collection method: clinical testing. Allele origin: germline. Inheritance: Autosomal dominant inheritance. Observed: 1 variant allele, 1 heterozygote.
Comment: This variant causes a G>T nucleotide substitution at the -1 position of intron 11 of the FBN1 gene. Splice site prediction tools suggest that this variant may have a significant impact on RNA splicing. Although this prediction has not been confirmed in published RNA studies, this variant is expected to result in an absent or disrupted protein product. This variant has not been reported in individuals affected with FBN1-related disorders in the literature. This variant has not been identified in the general population by the Genome Aggregation Database (gnomAD). Loss of FBN1 function is a known mechanism of disease. Based on the available evidence, this variant is classified as Likely Pathogenic.

This study involves interpretation of variants in research participants for the purpose of population health screening. Participant phenotype was not available at the time of variant classification. Additional details can be found in publication PMID: 35346344, PMCID: PMC8962531

Color Diagnostics, LLC DBA Color Health
Classification: Likely pathogenic for Familial thoracic aortic aneurysm and aortic dissection. Last evaluated: 2024-07-12. Review status: criteria provided, single submitter. Criteria: ACMG Guidelines, 2015. Collection method: clinical testing. Allele origin: germline.
Comment: This variant causes a G>T nucleotide substitution at the -1 position of intron 11 of the FBN1 gene. Splice site prediction tools suggest that this variant may have a significant impact on RNA splicing. Although this prediction has not been confirmed in published RNA studies, this variant is expected to result in an absent or disrupted protein product. This variant has not been reported in individuals affected with FBN1-related disorders in the literature. This variant has not been identified in the general population by the Genome Aggregation Database (gnomAD). Loss of FBN1 function is a known mechanism of disease. Based on the available evidence, this variant is classified as Likely Pathogenic.

Dr. Peter K. Rogan Lab, Western University
No classification provided (evidence only). Condition: Thyroid cancer, nonmedullary, 1. Review status: no classification provided. Collection method: in vitro. Allele origin: not applicable. Functional consequence: retained intron. Not counted in ClinVar's aggregate classification.

NM_000138.5(FBN1):c.1328-1G>T

Gene: FBN1 (fibrillin 1; minus strand). Cytogenetic location: 15q21.1.
Variant type: single nucleotide variant.
Coding change: c.1328-1G>T on transcript NM_000138.5 (MANE Select); the canonical splice acceptor site of the intron before coding-DNA position 1328, G replaced by T.
Molecular consequence: splice acceptor variant.
Genome position (GRCh38, 1-based): chr15:48,515,528, C>A on the plus strand (G>T on the coding strand, the complement: FBN1 is on the minus strand). VCF-style: chr15-48515528-C-A. GRCh37 (hg19) VCF-style: chr15-48807725-C-A.
Other names: c.1328-1G>T (NM_001406716.1).
Identifiers: ClinVar variation 3386854 (VCV003386854.4).